The following is an entry in ClinVar:

ClinVar aggregate classification (germline): Uncertain significance. Review status: criteria provided, single submitter (1 of 4 stars). 2 submissions from 2 submitters: Uncertain significance (1). 1 of the submissions does not count toward it. Last evaluated 2024-12-16.

Conditions:
Cognitive impairment - coarse facies - heart defects - obesity - pulmonary involvement - short stature - skeletal dysplasia syndrome. Also called: COGNITIVE IMPAIRMENT, COARSE FACIES, HEART DEFECTS, OBESITY, PULMONARY INVOLVEMENT, SHORT STATURE, AND SKELETAL DYSPLASIA; Chops syndrome; AFF4-Related CHOPS Syndrome. Identifiers: Orphanet 444077, MedGen C4085597, MONDO:0014609, OMIM 616368.
AFF4-related disorder. Also called: AFF4-related condition.

Allele frequency attached by ClinVar (database versions not stated): ExAC 0.00001; gnomAD exomes 0.00001.
gnomAD v4.1: 4 of 1,613,606 alleles (0.00025%); highest among the groups gnomAD compares: Non-Finnish European, 0.00034%; no homozygotes.

Submissions (2):

Labcorp Genetics (formerly Invitae), Labcorp
Classification: Uncertain significance for Cognitive impairment - coarse facies - heart defects - obesity - pulmonary involvement - short stature - skeletal dysplasia syndrome. Last evaluated: 2024-12-16. Review status: criteria provided, single submitter. Criteria: Invitae Variant Classification Sherloc (09022015). Collection method: clinical testing. Allele origin: germline.
Comment: This sequence change replaces proline, which is neutral and non-polar, with serine, which is neutral and polar, at codon 745 of the AFF4 protein (p.Pro745Ser). This variant is present in population databases (rs748688812, gnomAD 0.0009%). This variant has not been reported in the literature in individuals affected with AFF4-related conditions. ClinVar contains an entry for this variant (Variation ID: 2145298). Invitae Evidence Modeling of protein sequence and biophysical properties (such as structural, functional, and spatial information, amino acid conservation, physicochemical variation, residue mobility, and thermodynamic stability) indicates that this missense variant is not expected to disrupt AFF4 protein function with a negative predictive value of 80%. In summary, the available evidence is currently insufficient to determine the role of this variant in disease. Therefore, it has been classified as a Variant of Uncertain Significance.

PreventionGenetics, part of Exact Sciences
Classification: Uncertain significance for AFF4-related condition. Last evaluated: 2024-05-21. Review status: no assertion criteria provided. Collection method: clinical testing. Allele origin: germline. Not counted in ClinVar's aggregate classification.
Comment: The AFF4 c.2233C>T variant is predicted to result in the amino acid substitution p.Pro745Ser. To our knowledge, this variant has not been reported in the literature. This variant is reported in 0.00088% of alleles in individuals of European (Non-Finnish) descent in gnomAD. At this time, the clinical significance of this variant is uncertain due to the absence of conclusive functional and genetic evidence.

NM_014423.4(AFF4):c.2233C>T (p.Pro745Ser)

Gene: AFF4 (ALF transcription elongation factor 4; minus strand). Cytogenetic location: 5q31.1.
Variant type: single nucleotide variant.
Coding change: c.2233C>T on transcript NM_014423.4 (MANE Select); coding-DNA position 2233, C replaced by T.
Protein change: p.Pro745Ser; replaces proline 745 with serine.
Molecular consequence: missense variant.
Genome position (GRCh38, 1-based): chr5:132,896,397, G>A on the plus strand (C>T on the coding strand, the complement: AFF4 is on the minus strand). VCF-style: chr5-132896397-G-A. GRCh37 (hg19) VCF-style: chr5-132232089-G-A.
Other names: c.2233C>T (NM_014423.3); short protein forms P745S.
Identifiers: ClinVar variation 2145298 (VCV002145298.5), dbSNP rs748688812, ClinGen allele CA3408988.
Genomic context (GRCh38, chr5:132,896,397, plus strand): 5'-TGCCTTTGTTGGAAACTTTTTCTGAGGCTTGTTTCTGAGCCTCTCTCGTGTGCTTTTCTG[G>A]CACATTTTTCTTTTCCCCCTTGGGCGGCTCTGTTTCTTTGTAAGGCTTTCCTGGTATTCT-3'
Protein context (NP_055238.1, residues 735-755): EPPKGEKKNV[Pro745Ser]EKHTREAQKQ